The following continues an entry in ClinVar:

NM_006662.3(SRCAP):c.7330C>T (p.Arg2444Ter)

Gene: SRCAP. ClinVar aggregate classification (germline): Pathogenic. Pathogenic (26).

Submissions 17 to 33 of 33:

Victorian Clinical Genetics Services, Murdoch Childrens Research Institute
Classification: Pathogenic for Floating-Harbor syndrome. Last evaluated: 2020-05-21. Review status: criteria provided, single submitter. Criteria: ACMG Guidelines, 2015. Collection method: clinical testing. Allele origin: germline. Inheritance: Autosomal dominant inheritance. Affected: yes.
Comment: Based on the classification scheme VCGS_Germline_v1.1.1, this variant is classified as Pathogenic. Following criteria are met: 0104 - Dominant Negative is a mechanism of disease for this gene. (N) 0107 - This gene is known to be associated with autosomal dominant disease. (N) 0205 - Variant is predicted to result in a truncated protein with less than 1/3 of the protein affected (exon 34 of 34). (P) 0251 - Variant is heterozygous. (N) 0301 - Variant is absent from gnomAD. (P) 0401 - Variant is located in a gene associated with a severe early-onset dominant condition that is intolerant to loss-of-function variants. (P) 0701 - Comparable variants have very strong previous evidence for pathogenicity (ClinVar). (P) 0801 - Strong previous evidence of pathogenicity in unrelated individuals (ClinVar, Hood, RL. et al. (2012), Zhang, S. et al. (2019)). (P) 1102 - Strong phenotype match. (P) 1208 - Inheritance information for this variant is not currently available. (N) Legend: (P) - Pathogenic, (N) - Neutral, (B) - Benign

Illumina Laboratory Services, Illumina
Classification: Pathogenic for Floating-Harbor syndrome. Last evaluated: 2019-11-15. Review status: criteria provided, single submitter. Criteria: ICSLVariantClassificationCriteria RUGD 01 April 2020. Collection method: clinical testing. Allele origin: unknown.
Comment: The SRCAP c.7330C>T (p.Arg2444Ter) variant is a stop-gained variant that is the most frequently reported recurrent variant associated with Floating-Harbor syndrome (Nowaczyk et al. 2012). It has been identified in a heterozygous state in at least 24 unrelated individuals and was confirmed to have occurred de novo in at least three (Hood et al. 2012; Nikkel et al. 2013). The p.Arg2444Ter variant is not reported in the Genome Aggregation Databasea in a region of good sequencing coverage. This variant is predicted to result in premature truncation of the SRCAP protein, including loss of the three C-terminal AT-hook motifs involved in DNA binding, and is expected to inhibit CREB-mediated transactivation via a dominant-negative mechanism (Monroy et al. 2001). Based on the collective evidence, the p.Arg2444Ter variant is classified as pathogenic for Floating-Harbor syndrome.

HudsonAlpha Institute for Biotechnology
Classification: Pathogenic for Floating-Harbor syndrome. Last evaluated: 2018-12-10. Review status: criteria provided, single submitter. Criteria: ACMG Guidelines, 2015. Collection method: research. Allele origin: de novo. Affected: yes. Observed: 1 variant allele. Study: HudsonAlpha-AGHI-WGS.

Fulgent Genetics
Classification: Pathogenic for Floating-Harbor syndrome. Last evaluated: 2018-10-31. Review status: criteria provided, single submitter. Criteria: ACMG Guidelines, 2015. Collection method: clinical testing. Allele origin: unknown.

Eurofins Ntd Llc (ga)
Classification: Pathogenic. Last evaluated: 2016-02-09. Review status: criteria provided, single submitter. Criteria: EGL Classification Definitions 2015. Collection method: clinical testing. Allele origin: germline. Observed: 3 variant alleles, 3 heterozygotes.

Genetic Services Laboratory, University of Chicago
Classification: Pathogenic for Floating-Harbor syndrome. Last evaluated: 2013-04-29. Review status: criteria provided, single submitter. Criteria: ACMG Guidelines, 2007. Collection method: clinical testing. Allele origin: germline. Inheritance: Autosomal dominant inheritance. Affected: yes.

Centre de Biologie Pathologie Génétique, Centre Hospitalier Universitaire de Lille
Classification: Pathogenic for Neurodevelopmental delay. Review status: criteria provided, single submitter. Criteria: ACMG Guidelines, 2015. Collection method: clinical testing. Allele origin: unknown. Affected: yes.

Department of Pediatric Genetics, Istanbul University - Cerrahpasa
Classification: Pathogenic for Floating-Harbor syndrome. Review status: criteria provided, single submitter. Criteria: ACMG Guidelines, 2015. Collection method: clinical testing. Allele origin: germline. Affected: yes.

Genomic Medicine Lab, University of California San Francisco
Classification: Pathogenic for Floating-Harbor syndrome. Review status: criteria provided, single submitter. Criteria: ACMG Guidelines, 2015. Collection method: clinical testing. Allele origin: unknown. Study: CSER.

Juno Genomics, Hangzhou Juno Genomics, Inc
Classification: Pathogenic for Floating-Harbor syndrome. Review status: criteria provided, single submitter. Criteria: ACMG Guidelines, 2015. Collection method: clinical testing. Allele origin: germline. Affected: yes.
Comment: The prevalence of the variant in affected individuals is significantly increased compared to the prevalence in controls.;Assumed de novo, but without confirmation of paternity and maternity.;Absent from controls (or at extremely low frequency if recessive) in Genome Aggregation Database, Exome Sequencing Project, 1000 Genomes Project, or Exome Aggregation Consortium.;Patient's phenotype or family history is highly specific for a disease with a single genetic etiology.

PreventionGenetics, part of Exact Sciences
Classification: Pathogenic for SRCAP-related condition. Last evaluated: 2024-09-17. Review status: no assertion criteria provided. Collection method: clinical testing. Allele origin: germline. Not counted in ClinVar's aggregate classification.
Comment: The SRCAP c.7330C>T variant is predicted to result in premature protein termination (p.Arg2444*). This variant was reported to be one of two recurrent pathogenic variants for Floating-Harbor Syndrome (Nikkel et al. 2013. PubMed ID: 23621943; Goff et al. 2013. PubMed ID: 22965468). We have also observed this variant previously at PreventionGenetics in several other affected individuals. This variant is interpreted as pathogenic.

OMIM
Classification: Pathogenic for FLOATING-HARBOR SYNDROME. Last evaluated: 2013-01-01. Review status: no assertion criteria provided. Collection method: literature only. Allele origin: germline. Not counted in ClinVar's aggregate classification.

GeneReviews
No classification provided. Condition: Floating-Harbor syndrome. Review status: no classification provided. Collection method: literature only. Allele origin: unknown. Not counted in ClinVar's aggregate classification.

Genome Diagnostics Laboratory, Amsterdam University Medical Center
Classification: Pathogenic. Review status: no assertion criteria provided. Collection method: clinical testing. Allele origin: germline. Affected: yes. Study: VKGL Data-share Consensus. Not counted in ClinVar's aggregate classification.

Genome Diagnostics Laboratory, University Medical Center Utrecht
Classification: Pathogenic. Review status: no assertion criteria provided. Collection method: clinical testing. Allele origin: germline. Affected: yes. Study: VKGL Data-share Consensus. Not counted in ClinVar's aggregate classification.

Joint Genome Diagnostic Labs from Nijmegen and Maastricht, Radboudumc and MUMC+
Classification: Pathogenic. Review status: no assertion criteria provided. Collection method: clinical testing. Allele origin: germline. Affected: yes. Study: VKGL Data-share Consensus. Not counted in ClinVar's aggregate classification.

Kasturba Medical College, Manipal, Kasturba Medical College, Manipal, Manipal Academy of Higher Education, Manipal, India
Classification: Pathogenic for Floating-Harbor syndrome. Review status: no assertion criteria provided. Collection method: clinical testing. Allele origin: de novo. Affected: yes. Not counted in ClinVar's aggregate classification.

Literature cited by the submitters: PubMed 22265015 (cited by 7 submitters); PubMed 23621943 (cited by 3 submitters); PubMed 24970356 (cited by 3 submitters); PubMed 25433523 (cited by 4 submitters); PubMed 20358590 (cited by Dasa and OMIM); PubMed 22965468 (cited by Dasa and OMIM); PubMed 25590979 (cited by Dasa and Ambry Genetics); PubMed 31200758 (cited by Victorian Clinical Genetics Services, Murdoch Childrens Research Institute); PubMed 11522779 (cited by Illumina Laboratory Services, Illumina); PubMed 23193612 (cited by Illumina Laboratory Services, Illumina and GeneReviews); NCBI Bookshelf NBK114458 (cited by GeneReviews); DOI 10.1016/j.ajhg.2011.12.001 (cited by Kasturba Medical College, Manipal, Kasturba Medical College, Manipal, Manipal Academy of Higher Education, Manipal, India).